The following is an entry in ClinVar:

NM_025114.4(CEP290):c.5343T>G (p.Asp1781Glu)

Gene: CEP290 (centrosomal protein 290; minus strand). Cytogenetic location: 12q21.32.
Variant type: single nucleotide variant.
Coding change: c.5343T>G on transcript NM_025114.4 (MANE Select); coding-DNA position 5343, T replaced by G.
Protein change: p.Asp1781Glu; replaces aspartic acid 1781 with glutamic acid.
Molecular consequence: missense variant.
Genome position (GRCh38, 1-based): chr12:88,079,113, A>C on the plus strand (T>G on the coding strand, the complement: CEP290 is on the minus strand). VCF-style: chr12-88079113-A-C. GRCh37 (hg19) VCF-style: chr12-88472890-A-C.
Other names: short protein forms D1781E.
Identifiers: ClinVar variation 2147559 (VCV002147559.1), dbSNP rs1341571451, ClinGen allele CA385990119.
Genomic context (GRCh38, chr12:88,079,113, plus strand): 5'-ATCAGAAATTTTGTTACATTAACACGTGTTGATGTTCACCTTTAGCTCTCTAGTATGTCG[A>C]TCAACGATTTGTTGAACATTGAGATGGGCCTCTTTTTGAGAAGTTGCAGAAATAATACGT-3'
Protein context (NP_079390.3, residues 1771-1791): EAHLNVQQIV[Asp1781Glu]RHTRELKTQV

ClinVar aggregate classification (germline): Uncertain significance (1 of 4 stars; one submission).

Conditions:
Joubert syndrome. Also called: CEREBELLOPARENCHYMAL DISORDER IV; JOUBERT-BOLTSHAUSER SYNDROME; Familial aplasia of the vermis. Identifiers: Orphanet 475, MedGen C5979921, MONDO:0018772.
Nephronophthisis. Also called: Juvenile Nephronophthisis. Identifiers: Orphanet 655, MedGen C0687120, MONDO:0019005, HP:0000090.
Meckel-Gruber syndrome. Also called: DYSENCEPHALIA SPLANCHNOCYSTICA; GRUBER SYNDROME; Dysencephalia splachnocystica. Identifiers: Orphanet 564, MedGen C0265215, MONDO:0018921.

Allele frequency attached by ClinVar (database versions not stated): gnomAD exomes below 0.00001; TOPMed 0.00001.
gnomAD v4.1: 1 of 1,593,220 alleles (0.000063%); highest among the groups gnomAD compares: East Asian, 0.0023%; no homozygotes.

Submission:

Labcorp Genetics (formerly Invitae), Labcorp
Classification: Uncertain significance for Joubert syndrome; Meckel-Gruber syndrome; Nephronophthisis. Last evaluated: 2021-08-28. Review status: criteria provided, single submitter. Criteria: Invitae Variant Classification Sherloc (09022015). Collection method: clinical testing. Allele origin: germline.
Comment: This sequence change replaces aspartic acid with glutamic acid at codon 1781 of the CEP290 protein (p.Asp1781Glu). The aspartic acid residue is highly conserved and there is a small physicochemical difference between aspartic acid and glutamic acid. This variant is not present in population databases (ExAC no frequency). This variant has not been reported in the literature in individuals affected with CEP290-related conditions. Algorithms developed to predict the effect of missense changes on protein structure and function output the following: SIFT: "Tolerated"; PolyPhen-2: "Benign"; Align-GVGD: "Class C0". The glutamic acid amino acid residue is found in multiple mammalian species, which suggests that this missense change does not adversely affect protein function. In summary, the available evidence is currently insufficient to determine the role of this variant in disease. Therefore, it has been classified as a Variant of Uncertain Significance.